The following is an entry in ClinVar:

ClinVar aggregate classification (germline): Pathogenic (1 of 4 stars; one submission).

Conditions:
Pontocerebellar hypoplasia type 1B. Also called: EXOSC3 Pontocerebellar Hypoplasia. Identifiers: Orphanet 2254, MedGen C3553449, MONDO:0013853, OMIM 614678.

Submission:

Molecular Genetics Department, Kulakov National Medical Research Center for Obstetrics, Gynecology and Perinatology
Classification: Pathogenic for Pontocerebellar hypoplasia type 1B. Review status: criteria provided, single submitter. Criteria: ACMG Guidelines, 2015. Collection method: clinical testing. Allele origin: germline. Affected: yes. Observed: 1 variant allele.
Comment: A previously undescribed heterozygous nucleotide variant creates a premature translation stop signal p.Cys184Ter in the EXOSC3 gene. Homozygous and compound heterozygous variants are reported in patients with pontocerebellar hypoplasia, type 1B, 614678. The variant is not present in population database (gnomAD no frequency). The variant was found in trans position with the EXOSC3 variant (NM_016042.4:c.395A>C). In summary, this variant has been classified as pathogenic.

NM_016042.4(EXOSC3):c.552T>A (p.Cys184Ter)

Gene: EXOSC3 (exosome component 3; minus strand). Cytogenetic location: 9p13.2.
Variant type: single nucleotide variant.
Coding change: c.552T>A on transcript NM_016042.4 (MANE Select); coding-DNA position 552, T replaced by A.
Protein change: p.Cys184Ter; replaces cysteine 184 with a stop codon.
Molecular consequence: nonsense. On other transcripts: intron variant (1).
Genome position (GRCh38, 1-based): chr9:37,782,060, A>T on the plus strand (T>A on the coding strand, the complement: EXOSC3 is on the minus strand). VCF-style: chr9-37782060-A-T. GRCh37 (hg19) VCF-style: chr9-37782057-A-T.
Other names: c.475-1180T>A (NM_001002269.2); short protein forms C184*.
Identifiers: ClinVar variation 4294518 (VCV004294518.1).